The following is an entry in ClinVar:

NM_198253.3(TERT):c.2095G>A (p.Ala699Thr)

Gene: TERT (telomerase reverse transcriptase; minus strand). Cytogenetic location: 5p15.33.
Variant type: single nucleotide variant.
Coding change: c.2095G>A on transcript NM_198253.3 (MANE Select); coding-DNA position 2095, G replaced by A.
Protein change: p.Ala699Thr; replaces alanine 699 with threonine.
Molecular consequence: missense variant. On other transcripts: non-coding transcript variant (2).
Genome position (GRCh38, 1-based): chr5:1,279,326, C>T on the plus strand (G>A on the coding strand, the complement: TERT is on the minus strand). VCF-style: chr5-1279326-C-T. GRCh37 (hg19) VCF-style: chr5-1279441-C-T.
Other names: c.2095G>A, p.Ala699Thr (NM_001193376.3); c.2095G>A (NM_198253.2); short protein forms A699T.
Identifiers: ClinVar variation 1524581 (VCV001524581.6), dbSNP rs2126641710, ClinGen allele CA359080116.

ClinVar aggregate classification (germline): Uncertain significance. Review status: criteria provided, multiple submitters, no conflicts (2 of 4 stars). 2 submissions from 2 submitters: Uncertain significance (2). Last evaluated 2024-02-16.

Conditions:
Dyskeratosis congenita, autosomal dominant 2. Identifiers: MedGen C3151443, MONDO:0013521, OMIM 613989.
Idiopathic Pulmonary Fibrosis. Also called: Idiopathic fibrosing alveolitis, chronic form; idiopathic fibrosing alveolitis. Identifiers: Orphanet 2032, MedGen C1800706, MeSH D054990, MONDO:0800504.
Dyskeratosis congenita. Identifiers: Orphanet 1775, MedGen C0265965, MONDO:0015780.

gnomAD v4.1: 1 of 1,585,628 alleles (0.000063%); no homozygotes.

Submissions (2):

Ambry Genetics
Classification: Uncertain significance for Dyskeratosis congenita. Last evaluated: 2024-02-16. Review status: criteria provided, single submitter. Criteria: Ambry Variant Classification Scheme 2023. Collection method: clinical testing. Allele origin: germline.
Comment: The p.A699T variant (also known as c.2095G>A), located in coding exon 5 of the TERT gene, results from a G to A substitution at nucleotide position 2095. The alanine at codon 699 is replaced by threonine, an amino acid with similar properties. This amino acid position is conserved. In addition, the in silico prediction for this alteration is inconclusive. Based on the available evidence, the clinical significance of this alteration remains unclear.

Labcorp Genetics (formerly Invitae), Labcorp
Classification: Uncertain significance for Dyskeratosis congenita, autosomal dominant 2; Idiopathic Pulmonary Fibrosis. Last evaluated: 2021-09-07. Review status: criteria provided, single submitter. Criteria: Invitae Variant Classification Sherloc (09022015). Collection method: clinical testing. Allele origin: germline.
Comment: This sequence change replaces alanine with threonine at codon 699 of the TERT protein (p.Ala699Thr). The alanine residue is weakly conserved and there is a small physicochemical difference between alanine and threonine. This variant is not present in population databases (ExAC no frequency). This variant has not been reported in the literature in individuals affected with TERT-related conditions. Advanced modeling of protein sequence and biophysical properties (such as structural, functional, and spatial information, amino acid conservation, physicochemical variation, residue mobility, and thermodynamic stability) performed at Invitae indicates that this missense variant is expected to disrupt TERT protein function. In summary, the available evidence is currently insufficient to determine the role of this variant in disease. Therefore, it has been classified as a Variant of Uncertain Significance.